The following is an entry in ClinVar:

ClinVar aggregate classification (germline): Benign/Likely benign. Review status: criteria provided, multiple submitters, no conflicts (2 of 4 stars). 6 submissions from 6 submitters: Benign (4); Likely benign (2). Last evaluated 2026-02-02.

Conditions:
Familial thoracic aortic aneurysm and aortic dissection (TAAD). Also called: Thoracic aortic aneurysms and dissections. Identifiers: Orphanet 91387, MedGen C4707243, MONDO:0019625.
FG syndrome (FGS). Identifiers: MedGen C0220769, MONDO:0002010.

Allele frequency attached by ClinVar (database versions not stated): 1000 Genomes Project 0.00026; 1000 Genomes Project 30x 0.00042; TOPMed 0.00097; gnomAD 0.00104 and 0.00109; gnomAD exomes 0.00147 and 0.00178; ESP Exome Variant Server 0.00151; ExAC 0.00158.
gnomAD v4.1: 2,034 of 1,206,174 alleles (0.17%); highest among the groups gnomAD compares: Non-Finnish European, 0.21%; 1 homozygote.

Submissions (6):

Labcorp Genetics (formerly Invitae), Labcorp
Classification: Benign for FG syndrome. Last evaluated: 2026-02-02. Review status: criteria provided, single submitter. Criteria: Invitae Variant Classification Sherloc (09022015). Collection method: clinical testing. Allele origin: germline.

Blueprint Genetics
Classification: Likely benign. Last evaluated: 2024-11-13. Review status: criteria provided, single submitter. Criteria: ACMG Guidelines, 2015. Collection method: clinical testing. Allele origin: germline.

Genetic Services Laboratory, University of Chicago
Classification: Benign. Last evaluated: 2018-09-12. Review status: criteria provided, single submitter. Criteria: ACMG Guidelines, 2015. Collection method: clinical testing. Allele origin: germline. Affected: no.

Eurofins Ntd Llc (ga)
Classification: Benign. Last evaluated: 2015-09-17. Review status: criteria provided, single submitter. Criteria: EGL Classification Definitions 2015. Collection method: clinical testing. Allele origin: germline. Observed: 4 variant alleles, 2 heterozygotes, 2 hemizygotes.

Ambry Genetics
Classification: Likely benign for Familial thoracic aortic aneurysm and aortic dissection. Last evaluated: 2015-02-16. Review status: criteria provided, single submitter. Criteria: Ambry Variant Classification Scheme 2023. Collection method: clinical testing. Allele origin: germline.

GeneDx
Classification: Benign. Last evaluated: 2014-08-11. Review status: criteria provided, single submitter. Criteria: GeneDx Variant Classification (06012015). Collection method: clinical testing. Allele origin: germline. Affected: yes.
Comment: This variant is considered likely benign or benign based on one or more of the following criteria: it is a conservative change, it occurs at a poorly conserved position in the protein, it is predicted to be benign by multiple in silico algorithms, and/or has population frequency not consistent with disease.

NM_005120.3(MED12):c.3204C>T (p.Pro1068=)

Gene: MED12 (mediator complex subunit 12; plus strand). Cytogenetic location: Xq13.1.
Variant type: single nucleotide variant.
Coding change: c.3204C>T on transcript NM_005120.3 (MANE Select); coding-DNA position 3204, C replaced by T.
Protein change: p.Pro1068=; no amino-acid change (proline 1068 retained).
Molecular consequence: synonymous variant.
Genome position (GRCh38, 1-based): chrX:71,128,115, C>T. VCF-style: chrX-71128115-C-T. GRCh37 (hg19) VCF-style: chrX-70347965-C-T.
Identifiers: ClinVar variation 167284 (VCV000167284.22), dbSNP rs201807437, ClinGen allele CA234255.